The following is an entry in ClinVar:

ClinVar aggregate classification (germline): Uncertain significance. Review status: criteria provided, single submitter (1 of 4 stars). 2 submissions from 2 submitters: Uncertain significance (1). 1 of the submissions does not count toward it. Last evaluated 2025-03-18.

Conditions:
SEMA3G-related disorder. Also called: SEMA3G-related condition.

gnomAD v4.1: 32 of 1,612,828 alleles (0.002%); highest among the groups gnomAD compares: Admixed American, 0.0033%; no homozygotes.

Submissions (2):

Ambry Genetics
Classification: Uncertain significance. Last evaluated: 2025-03-18. Review status: criteria provided, single submitter. Criteria: Ambry Variant Classification Scheme 2023. Collection method: clinical testing. Allele origin: germline.

PreventionGenetics, part of Exact Sciences
Classification: Uncertain significance for SEMA3G-related condition. Last evaluated: 2024-04-29. Review status: no assertion criteria provided. Collection method: clinical testing. Allele origin: germline. Not counted in ClinVar's aggregate classification.
Comment: The SEMA3G c.958G>A variant is predicted to result in the amino acid substitution p.Gly320Arg. To our knowledge, this variant has not been reported in the literature. This variant is reported in 0.0057% of alleles in individuals of Latino descent in gnomAD. At this time, the clinical significance of this variant is uncertain due to the absence of conclusive functional and genetic evidence.

NM_020163.3(SEMA3G):c.958G>A (p.Gly320Arg)

Gene: SEMA3G (semaphorin 3G; minus strand). Cytogenetic location: 3p21.1.
Variant type: single nucleotide variant.
Coding change: c.958G>A on transcript NM_020163.3 (MANE Select); coding-DNA position 958, G replaced by A.
Protein change: p.Gly320Arg; replaces glycine 320 with arginine.
Molecular consequence: missense variant.
Genome position (GRCh38, 1-based): chr3:52,440,794, C>T on the plus strand (G>A on the coding strand, the complement: SEMA3G is on the minus strand). VCF-style: chr3-52440794-C-T. GRCh37 (hg19) VCF-style: chr3-52474810-C-T.
Other names: c.958G>A (NM_020163.1); short protein forms G320R.
Identifiers: ClinVar variation 3350735 (VCV003350735.2).